The following is an entry in ClinVar:

NM_182914.3(SYNE2):c.19985G>T (p.Ser6662Ile)

Gene: SYNE2 (spectrin repeat containing nuclear envelope protein 2; plus strand). Cytogenetic location: 14q23.2.
Variant type: single nucleotide variant.
Coding change: c.19985G>T on transcript NM_182914.3 (MANE Select); coding-DNA position 19985, G replaced by T.
Protein change: p.Ser6662Ile; replaces serine 6662 with isoleucine.
Molecular consequence: missense variant.
Genome position (GRCh38, 1-based): chr14:64,220,561, G>T. VCF-style: chr14-64220561-G-T. GRCh37 (hg19) VCF-style: chr14-64687279-G-T.
Other names: c.19916G>T, p.Ser6639Ile (NM_015180.6); c.509G>T, p.Ser170Ile (NM_182910.2); c.887G>T, p.Ser296Ile (NM_182913.4); short protein forms S6639I, S296I, S170I, S6662I.
Identifiers: ClinVar variation 839343 (VCV000839343.9), dbSNP rs2098689595, ClinGen allele CA389969229.

ClinVar aggregate classification (germline): Uncertain significance (1 of 4 stars; one submission).

Conditions:
Emery-Dreifuss muscular dystrophy 5, autosomal dominant (EDMD5). Also called: EMERY-DREIFUSS MUSCULAR DYSTROPHY 5. Identifiers: Orphanet 261, MedGen C2751805, MONDO:0013072, OMIM 612999.

Submission:

Labcorp Genetics (formerly Invitae), Labcorp
Classification: Uncertain significance for Emery-Dreifuss muscular dystrophy 5, autosomal dominant. Last evaluated: 2024-07-08. Review status: criteria provided, single submitter. Criteria: Invitae Variant Classification Sherloc (09022015). Collection method: clinical testing. Allele origin: germline.
Comment: This sequence change replaces serine, which is neutral and polar, with isoleucine, which is neutral and non-polar, at codon 6662 of the SYNE2 protein (p.Ser6662Ile). This variant is not present in population databases (gnomAD no frequency). This variant has not been reported in the literature in individuals affected with SYNE2-related conditions. ClinVar contains an entry for this variant (Variation ID: 839343). An algorithm developed to predict the effect of missense changes on protein structure and function (PolyPhen-2) suggests that this variant is likely to be tolerated. In summary, the available evidence is currently insufficient to determine the role of this variant in disease. Therefore, it has been classified as a Variant of Uncertain Significance.